The following is an entry in ClinVar:

NM_003628.6(PKP4):c.1039C>G (p.Pro347Ala)

Gene: PKP4 (plakophilin 4; plus strand). Cytogenetic location: 2q24.1.
Variant type: single nucleotide variant.
Coding change: c.1039C>G on transcript NM_003628.6 (MANE Select); coding-DNA position 1039, C replaced by G.
Protein change: p.Pro347Ala; replaces proline 347 with alanine.
Molecular consequence: missense variant.
Genome position (GRCh38, 1-based): chr2:158,625,313, C>G. VCF-style: chr2-158625313-C-G. GRCh37 (hg19) VCF-style: chr2-159481825-C-G.
Other names: c.1039C>G, p.Pro347Ala (NM_001005476.4, NM_001304969.3, NM_001304971.2 and 6 more transcripts); c.13C>G, p.Pro5Ala (NM_001304970.3); c.1033C>G, p.Pro345Ala (NM_001377222.1, NM_001377223.1, NM_001377224.1); short protein forms P345A, P347A, P5A.
Identifiers: ClinVar variation 3889686 (VCV003889686.1).
Genomic context (GRCh38, chr2:158,625,313, plus strand): 5'-TCCCCATCCCAAGGCCAGGTGGGGTCGTCGTCCCCCAAACGCTCAGGGATGACCGCCGTA[C>G]CACAGCATCTGGGACCTTCACTGCAAAGGACTGTTCATGACATGGAGCAATTCGGACAGC-3'
Protein context (NP_003619.2, residues 337-357): SPKRSGMTAV[Pro347Ala]QHLGPSLQRT

ClinVar aggregate classification (germline): Uncertain significance (1 of 4 stars; one submission).

Submission:

Ambry Genetics
Classification: Uncertain significance. Last evaluated: 2025-01-27. Review status: criteria provided, single submitter. Criteria: Ambry Variant Classification Scheme 2023. Collection method: clinical testing. Allele origin: germline.
Comment: The p.P347A variant (also known as c.1039C>G), located in coding exon 6 of the PKP4 gene, results from a C to G substitution at nucleotide position 1039. The proline at codon 347 is replaced by alanine, an amino acid with highly similar properties. This amino acid position is conserved. In addition, the in silico prediction for this alteration is inconclusive. Based on the available evidence, the clinical significance of this variant remains unclear.